The following is an entry in ClinVar:

ClinVar aggregate classification (germline): Conflicting classifications of pathogenicity. Review status: criteria provided, conflicting classifications (1 of 4 stars). 8 submissions from 8 submitters: Likely pathogenic (3); Uncertain significance (3). 2 of the submissions do not count toward it. Last evaluated 2026-04-17.

Conditions:
Hb SS disease (SCD). Also called: Hemoglobin SS; Sickle cell anemia; Sickle cell disease; HbS disease; Hemoglobin S Disease; Sickling disorder due to hemoglobin S. Identifiers: Orphanet 232, Orphanet 275752, MedGen C0002895, MONDO:0011382, OMIM 603903.
Heinz body anemia. Also called: Heinz body hemolytic anemia. Identifiers: Orphanet 178330, MedGen C0700299, MONDO:0007705, OMIM 140700, HP:0005511.
Dominant beta-thalassemia. Also called: Beta-thalassemia, dominant inclusion body type. Identifiers: Orphanet 231226, Orphanet 848, MedGen C1858990, MONDO:0011381, OMIM 603902.
Beta-thalassemia HBB/LCRB. Identifiers: MedGen CN322236, MONDO:0013517, OMIM 613985.
Erythrocytosis, familial, 6. Also called: POLYCYTHEMIA, BETA-GLOBIN TYPE; ERYTHROCYTOSIS, BETA-GLOBIN TYPE. Identifiers: MedGen C4693822, MONDO:0054801, OMIM 617980.
METHEMOGLOBINEMIA, BETA TYPE. Also called: Methemoglobinemia, beta-globin type. Identifiers: MedGen C1840779, OMIM 617971.
Malaria, susceptibility to. Identifiers: Orphanet 673, MedGen C1970028, MONDO:0021024, OMIM 611162.
Hereditary persistence of fetal hemoglobin. Identifiers: MedGen C0019025, MONDO:0020989, OMIM 141749.
beta Thalassemia (BTHAL). Also called: Cooley's anemia; Erythroblastic anemia; Mediterranean anemia. Identifiers: Orphanet 848, MedGen C0005283, MONDO:0019402. Disease mechanism: loss of function.
HEMOGLOBIN HOFU.

gnomAD v4.1: 2 of 1,614,070 alleles (0.00012%); highest among the groups gnomAD compares: Admixed American, 0.0017%; no homozygotes.

Submissions (8):

Women's Health and Genetics/Laboratory Corporation of America, LabCorp
Classification: Uncertain significance. Last evaluated: 2026-04-17. Review status: criteria provided, single submitter. Criteria: LabCorp Variant Classification Summary - May 2015. Collection method: clinical testing. Allele origin: germline.
Comment: Variant summary: HBB c.380T>A (p.Val127Glu), reported as Hb Hofu in the literature, results in a non-conservative amino acid change in the encoded protein sequence. Algorithms developed to predict the effect of missense changes on protein structure and function are either unavailable or do not agree on the potential impact of this missense change. The variant was absent in 251316 control chromosomes (gnomAD). c.380T>A has been observed in individuals affected with clinical phenotypes including mild to moderate anemia or Beta-thalassemia intermedia, in some cases in compound heterozygosity with pathogenic variants, although compound heterozygotes also were found without a clinical presentation (e.g. Brittenham_1978, Arends_1985, Pande_1995, Das_2013, Purohit_2013, Samaraweera_2014, Urroz_2025). Since the penetrance of Beta Thalassemia Intermedia due to this variant in compound heterozygotes appears to be lower than expected, no conclusions can be drawn from these data. A different variant affecting the same codon has been classified as pathogenic by our lab for Beta thalassemia intermedia (c.380T>G, p.Val127Gly), supporting the critical relevance of codon 127 to HBB protein function. Functional assays suggest the variant results in a mildly unstable hemolglobin (e.g. Arends_1985). The following publications have been ascertained in the context of this evaluation (PMID: 8537236, 3923770, 750554, 6859036, 23889802, 40438557, 24682197). ClinVar contains an entry for this variant (Variation ID: 15201). Based on the evidence outlined above, the variant was classified as VUS-possibly pathogenic.

Natera, Inc.
Classification: Likely pathogenic for Beta thalassemia. Last evaluated: 2025-10-06. Review status: criteria provided, single submitter. Criteria: Natera Variant Classification Schema (03/2026). Collection method: clinical testing. Allele origin: germline.
Comment: The c.380T>A variant in HBB is a missense variant predicted to cause substitution of valine to glutamic acid at amino acid 127. This variant is rare in the general population with a frequency below the threshold expected for the associated phenotype(s). This variant has been observed in one or more individuals affected with the associated recessive disease, as either homozygous or compound heterozygous with a second variant (PMID: 8537236, 9342003). A different variant at the same position has been determined to be Pathogenic or Likely Pathogenic. Given the available evidence, this variant is classified as Likely Pathogenic.

Quest Diagnostics Nichols Institute San Juan Capistrano
Classification: Uncertain significance. Last evaluated: 2025-07-11. Review status: criteria provided, single submitter. Criteria: Quest Diagnostics criteria. Collection method: clinical testing. Allele origin: unknown.
Comment: The HBB c.380T>A (p.Val127Glu) variant (Hb Hofu) has been reported in the published literature as a mildly unstable variant that, when in trans with a severe mutation, has a variable phenotype including mild to moderate anemia or thalassemia intermedia (and PMID: 7204097 (1981), 3923770 (1985), 8537236 (1995), 24682197 (2014)). In addition, multiple asymptomatic heterozygotes are described in the literature with one report describing mild anemia as the result of iron deficiency (PMID: 7204097 (1981), 23889802 (2014)). This variant has not been reported in large, multi-ethnic general populations (Genome Aggregation Database). Analysis of this variant using bioinformatics tools for the prediction of the effect of amino acid changes on protein structure and function yielded conflicting predictions that this variant is deleterious or benign. Based on the available information, we are unable to determine the clinical significance of this variant.

ARUP Laboratories, Molecular Genetics and Genomics, ARUP Laboratories
Classification: Uncertain significance. Last evaluated: 2024-02-15. Review status: criteria provided, single submitter. Criteria: ARUP Molecular Germline Variant Investigation Process 2024. Collection method: clinical testing. Allele origin: germline.
Comment: The Hb Hofu variant (HBB: c.380T>A; p.Val127Glu, also known as Val126Glu when numbered from the mature protein, rs33925391, HbVar ID: 519) is reported in the literature in the heterozygous state in both individuals with mild anemia and asymptomatic individuals (Purohit 2014, HbVar database and references therein). This variant was also reported in an individual with thalassemia intermedia who also carried a beta-0 variant (Pande 1995), though it has been described in trans to Hb S in both symptomatic and asymptomatic individuals (Huisman 1997, Purohit 2014, HbVar database). Hematological measurements in carriers indicate that Hb Hofu is a mildly unstable variant (Huisman 1997, Purohit 2014, HbVar database). This variant is absent from the Genome Aggregation Database, indicating it is not a common polymorphism. The valine at codon 127 is moderately conserved, but computational analyses are uncertain whether this variant is neutral or deleterious (REVEL: 0.646). Based on available information, the clinical significance of this variant is uncertain at this time. REFERENCES Link to HbVar database: Huisman TH et al. Combinations of beta chain abnormal hemoglobins with each other or with beta-thalassemia determinants with known mutations: influence on phenotype. Clin Chem. 1997 Oct;43(10):1850-6. PMID: 9342003 Pande PL et al. Beta-thalassemia intermedia in an Indian female with the Hb Hofu (beta 126(H4)Val-->Glu)-beta zero-thalassemia (codons 8/9 (+G)) combination. Hemoglobin. 1995 Sep;19(5):301-6. PMID: 8537236 Purohit P et al. Clinical and molecular characterization of Hb Hofu in eastern India. Int J Lab Hematol. 2014 Feb;36(1):71-6. PMID: 23889802

Fulgent Genetics
Classification: Likely pathogenic for Heinz body anemia; Hereditary persistence of fetal hemoglobin; Dominant beta-thalassemia; Hb SS disease; Malaria, susceptibility to; Beta-thalassemia HBB/LCRB; METHEMOGLOBINEMIA, BETA TYPE; Erythrocytosis, familial, 6. Last evaluated: 2024-01-13. Review status: criteria provided, single submitter. Criteria: ACMG Guidelines, 2015. Collection method: clinical testing. Allele origin: germline.

Neuberg Centre For Genomic Medicine, NCGM
Classification: Likely pathogenic for Beta-thalassemia HBB/LCRB. Review status: criteria provided, single submitter. Criteria: ACMG Guidelines, 2015. Collection method: clinical testing. Allele origin: germline. Inheritance: Autosomal recessive inheritance. Affected: yes. Observed: 1 heterozygote.
Comment: The missense variant NM_000518.5(HBB):c.380T>A (p.Val127Glu) has been previously reported as Hb Hofu and has been observed in Indian population (Pande et al, Purohit et al, Warghade et al). It has been submitted to ClinVar with conflicting interpretations of pathogenicity : VUS/Likely Pathogenic. In combination with a beta 0 variant it has been reported with a thalssemia intermedia phenotype and has been observed in asymptomatic as well as symptomatic indviduals in trans with sickle cell trait (Arends T et al,Brittenham G et al, Purohit et al). The p.Val127Glu variant is novel (not in any individuals) in gnomAD. The p.Val127Glu variant is novel (not in any individuals) in 1kG. There is a moderate physicochemical difference between valine and glutamic acid. In silico tools predict a damaging effect while the residue is weakly conserved across species. For these reasons, this variant has been classified as Likely Pathogenic.

Molecular Genetics Laboratory, BC Children's and BC Women's Hospitals
Classification: Pathogenic for beta Thalassemia. Last evaluated: 2023-10-27. Review status: no assertion criteria provided. Criteria: ACMG Guidelines, 2015. Collection method: clinical testing. Allele origin: germline. Affected: yes. Not counted in ClinVar's aggregate classification.

OMIM
Classification: other for HEMOGLOBIN HOFU. Last evaluated: 2017-12-12. Review status: no assertion criteria provided. Collection method: literature only. Allele origin: germline. Not counted in ClinVar's aggregate classification.

Literature cited by the submitters: PubMed 8537236 (cited by 4 submitters); PubMed 3923770 (cited by 4 submitters); PubMed 750554 (cited by 4 submitters); PubMed 6859036 (cited by Women's Health and Genetics/Laboratory Corporation of America, LabCorp); PubMed 23889802 (cited by 3 submitters); PubMed 24682197 (cited by Women's Health and Genetics/Laboratory Corporation of America, LabCorp and Quest Diagnostics Nichols Institute San Juan Capistrano); PubMed 40438557 (cited by Women's Health and Genetics/Laboratory Corporation of America, LabCorp); PubMed 9342003 (cited by Natera, Inc.); PubMed 457425 (cited by Quest Diagnostics Nichols Institute San Juan Capistrano); PubMed 7204097 (cited by Quest Diagnostics Nichols Institute San Juan Capistrano and OMIM); PubMed 5634912 (cited by Quest Diagnostics Nichols Institute San Juan Capistrano and OMIM); PubMed 29403210 (cited by Quest Diagnostics Nichols Institute San Juan Capistrano and Neuberg Centre For Genomic Medicine, NCGM); PubMed 30489691 (cited by Quest Diagnostics Nichols Institute San Juan Capistrano).

NM_000518.5(HBB):c.380T>A (p.Val127Glu)

Genes: HBB (hemoglobin subunit beta; minus strand), LOC107133510 (origin of replication at HBB; plus strand), LOC110006319 (beta-globin gene 3' regulatory region; plus strand). Cytogenetic location: 11p15.4.
Variant type: single nucleotide variant.
Coding change: c.380T>A on transcript NM_000518.5 (MANE Select); coding-DNA position 380, T replaced by A.
Protein change: p.Val127Glu; replaces valine 127 with glutamic acid.
Molecular consequence: missense variant.
Genome position (GRCh38, 1-based): chr11:5,225,662, A>T on the plus strand (T>A on the coding strand, the complement: HBB is on the minus strand). VCF-style: chr11-5225662-A-T. GRCh37 (hg19) VCF-style: chr11-5246892-A-T.
Other names: V126E; short protein forms V127E.
Identifiers: ClinVar variation 15201 (VCV000015201.24), dbSNP rs33925391, ClinGen allele CA124912.